The following is an entry in ClinVar:

ClinVar aggregate classification (germline): Uncertain significance (1 of 4 stars; one submission).

Conditions:
Hereditary cancer-predisposing syndrome. Also called: Tumor predisposition; Neoplastic Syndromes, Hereditary; Hereditary neoplastic syndrome; Hereditary Cancer Syndrome. Identifiers: Orphanet 140162, MedGen C0027672, MeSH D009386, MONDO:0015356.

Submission:

Ambry Genetics
Classification: Uncertain significance for Hereditary cancer-predisposing syndrome. Last evaluated: 2025-08-27. Review status: criteria provided, single submitter. Criteria: Ambry Variant Classification Scheme 2023. Collection method: clinical testing. Allele origin: germline.
Comment: The p.H438N variant (also known as c.1312C>A), located in coding exon 13 of the MUTYH gene, results from a C to A substitution at nucleotide position 1312. The histidine at codon 438 is replaced by asparagine, an amino acid with similar properties. This amino acid position is conserved. In addition, this alteration is predicted to be tolerated by in silico analysis. Based on the available evidence, the clinical significance of this variant remains unclear.

NM_001048174.2(MUTYH):c.1228C>A (p.His410Asn)

Gene: MUTYH (mutY DNA glycosylase; minus strand). Cytogenetic location: 1p34.1.
Variant type: single nucleotide variant.
Coding change: c.1228C>A on transcript NM_001048174.2 (MANE Select); coding-DNA position 1228, C replaced by A.
Protein change: p.His410Asn; replaces histidine 410 with asparagine.
Molecular consequence: missense variant. On other transcripts: non-coding transcript variant (7).
Genome position (GRCh38, 1-based): chr1:45,331,431, G>T on the plus strand (C>A on the coding strand, the complement: MUTYH is on the minus strand). VCF-style: chr1-45331431-G-T. GRCh37 (hg19) VCF-style: chr1-45797103-G-T.
Other names: c.952C>A, p.His318Asn (NM_001293196.2, NM_001293192.2, NM_001407091.1); c.883C>A, p.His295Asn (NM_001350650.2, NM_001350651.2, NM_001407082.1); c.1261C>A, p.His421Asn (NM_001407069.1, NM_001293191.2, NM_001407077.1); c.1228C>A, p.His410Asn (NM_001407070.1, NM_001407072.1, NM_001407073.1 and 6 more transcripts); c.1231C>A, p.His411Asn (NM_001407071.1, NM_001407078.1, NM_001407086.1 and 1 more transcripts); c.1144C>A, p.His382Asn (NM_001407075.1); c.1189C>A, p.His397Asn (NM_001407079.1); c.1186C>A, p.His396Asn (NM_001407080.1); and 5 more; short protein forms H295N, H396N, H411N, H397N, H417N, H435N, H438N, H382N.
Identifiers: ClinVar variation 4113172 (VCV004113172.1).
Genomic context (GRCh38, chr1:45,331,431, plus strand): 5'-GATATAGCCTCAAAAGCCAACATCCTTGGCTATTCCGCTGCTCACTTACCTCCCCAAGGT[G>T]CCGGAGGTGCGTGGCTGGGAGGGGCCCAGCCCAACGCTGTAGTTCCTGCAGCAGGGCCTT-3'
Protein context (NP_001041639.1, residues 400-420): AGPLPATHLR[His410Asn]LGEVVHTFSH